The following is an entry in ClinVar:

NM_017780.4(CHD7):c.4996G>C (p.Asp1666His)

Gene: CHD7 (chromodomain helicase DNA binding protein 7; plus strand). Cytogenetic location: 8q12.2.
Variant type: single nucleotide variant.
Coding change: c.4996G>C on transcript NM_017780.4 (MANE Select); coding-DNA position 4996, G replaced by C.
Protein change: p.Asp1666His; replaces aspartic acid 1666 with histidine.
Molecular consequence: missense variant. On other transcripts: intron variant (1).
Genome position (GRCh38, 1-based): chr8:60,845,009, G>C. VCF-style: chr8-60845009-G-C. GRCh37 (hg19) VCF-style: chr8-61757568-G-C.
Other names: c.1717-17220G>C (NM_001316690.1); short protein forms D1666H.
Identifiers: ClinVar variation 4881436 (VCV004881436.2).
Genomic context (GRCh38, chr8:60,845,009, plus strand): 5'-ATCCTGGTGTACTGTCTTAATCATTACAAAGGGGATGAGAATATCAAAAGCTTCATCTGG[G>C]ATCTGATCACACCCACAGCGGATGGCCAGACTCGAGCCTTGGTCAACCATTCCGGTAGGT-3'
Protein context (NP_060250.2, residues 1656-1676): GDENIKSFIW[Asp1666His]LITPTADGQT

ClinVar aggregate classification (germline): Uncertain significance (1 of 4 stars; one submission).

Submission:

Dasa
Classification: Uncertain significance. Last evaluated: 2024-06-05. Review status: criteria provided, single submitter. Criteria: DASA Assertion Criteria. Collection method: clinical testing. Allele origin: germline.
Comment: NM_017780.4(CHD7):c.4996G>C (p.Asp1666His) is a missense variant that results in the substitution of aspartic acid with histidine. This variant is rare in population databases. Computational prediction algorithms are consistent with a deleterious effect. The currently available literature and clinical evidence are not sufficient to establish a definitive association between this variant and the reported condition. Therefore, this variant is classified as a variant of uncertain significance.